The following is an entry in ClinVar:

NM_020822.3(KCNT1):c.111-15_137del

Gene: KCNT1 (potassium sodium-activated channel subfamily T member 1; plus strand). Cytogenetic location: 9q34.3.
Variant type: Deletion.
Coding change: c.111-15_137del on transcript NM_020822.3 (MANE Select); 15 bases into the intron before coding-DNA position 111 through coding-DNA position 137, 42 bases deleted.
Molecular consequence: splice acceptor variant. On other transcripts: intron variant (1).
Genome position (GRCh38, 1-based): chr9:135,714,562-135,714,603, 42 bases deleted; deleting any 42 consecutive bases within chr9:135,714,557-135,714,603 gives the same sequence; the c. name uses the placement nearest the transcript's 3' end. GRCh37 (hg19): chr9:138,606,408-138,606,449.
Other names: c.110+12194_110+12235del (NM_001272003.2).
Identifiers: ClinVar variation 4085227 (VCV004085227.8).

ClinVar aggregate classification (germline): Uncertain significance (1 of 4 stars; one submission).

Submission:

CeGaT Center for Human Genetics Tuebingen
Classification: Uncertain significance. Last evaluated: 2025-06-01. Review status: criteria provided, single submitter. Criteria: CeGaT Center For Human Genetics Tuebingen Variant Classification Criteria Version 2. Collection method: clinical testing. Allele origin: germline. Affected: yes. Observed: 1 variant allele.
Comment: KCNT1: PM2, PP3, BP1